The following is an entry in ClinVar:

ClinVar aggregate classification (germline): Likely benign. Review status: criteria provided, multiple submitters, no conflicts (2 of 4 stars). 3 submissions from 3 submitters: Likely benign (3). Last evaluated 2024-12-17.

Conditions:
Aneurysm-osteoarthritis syndrome. Also called: LOEYS-DIETZ SYNDROME WITH OSTEOARTHRITIS; SMAD3-Related Loeys-Dietz Syndrome; Loeys-Dietz syndrome, type 1C; ANEURYSMS-OSTEOARTHRITIS SYNDROME. Identifiers: Orphanet 284984, MedGen C3151087, MONDO:0013426, OMIM 613795.
Familial thoracic aortic aneurysm and aortic dissection (TAAD). Also called: Thoracic aortic aneurysms and dissections. Identifiers: Orphanet 91387, MedGen C4707243, MONDO:0019625.

Submissions (3):

Labcorp Genetics (formerly Invitae), Labcorp
Classification: Likely benign for Familial thoracic aortic aneurysm and aortic dissection. Last evaluated: 2024-12-17. Review status: criteria provided, single submitter. Criteria: Invitae Variant Classification Sherloc (09022015). Collection method: clinical testing. Allele origin: germline.

All of Us Research Program, National Institutes of Health
Classification: Likely benign for Aneurysm-osteoarthritis syndrome. Last evaluated: 2024-01-11. Review status: criteria provided, single submitter. Criteria: ACMG Guidelines, 2015. Collection method: clinical testing. Allele origin: germline. Inheritance: Autosomal dominant inheritance. Observed: 1 variant allele, 1 heterozygote.
Comment: This study involves interpretation of variants in research participants for the purpose of population health screening. Participant phenotype was not available at the time of variant classification. Additional details can be found in publication PMID: 35346344, PMCID: PMC8962531

Color Diagnostics, LLC DBA Color Health
Classification: Likely benign for Familial thoracic aortic aneurysm and aortic dissection. Last evaluated: 2019-11-19. Review status: criteria provided, single submitter. Criteria: ACMG Guidelines, 2015. Collection method: clinical testing. Allele origin: germline.

NM_005902.4(SMAD3):c.1017C>T (p.Asn339=)

Gene: SMAD3 (SMAD family member 3; plus strand). Cytogenetic location: 15q22.33.
Variant type: single nucleotide variant.
Coding change: c.1017C>T on transcript NM_005902.4 (MANE Select); coding-DNA position 1017, C replaced by T.
Protein change: p.Asn339=; no amino-acid change (asparagine 339 retained).
Molecular consequence: synonymous variant.
Genome position (GRCh38, 1-based): chr15:67,187,372, C>T. VCF-style: chr15-67187372-C-T. GRCh37 (hg19) VCF-style: chr15-67479710-C-T.
Other names: c.702C>T, p.Asn234= (NM_001145102.2); c.885C>T, p.Asn295= (NM_001145103.2); c.432C>T, p.Asn144= (NM_001145104.2).
Identifiers: ClinVar variation 918299 (VCV000918299.5), dbSNP rs1963248432, ClinGen allele CA490917387.